The following is an entry in ClinVar:

NM_001110556.2(FLNA):c.7511C>T (p.Pro2504Leu)

Gene: FLNA (filamin A; minus strand). Cytogenetic location: Xq28.
Variant type: single nucleotide variant.
Coding change: c.7511C>T on transcript NM_001110556.2 (MANE Select); coding-DNA position 7511, C replaced by T.
Protein change: p.Pro2504Leu; replaces proline 2504 with leucine.
Molecular consequence: missense variant.
Genome position (GRCh38, 1-based): chrX:154,349,690, G>A on the plus strand (C>T on the coding strand, the complement: FLNA is on the minus strand). VCF-style: chrX-154349690-G-A. GRCh37 (hg19) VCF-style: chrX-153578058-G-A.
Other names: c.7487C>T, p.Pro2496Leu (NM_001456.4); short protein forms P2496L, P2504L.
Identifiers: ClinVar variation 2419560 (VCV002419560.6), dbSNP rs2067603955, ClinGen allele CA415181647.

ClinVar aggregate classification (germline): Uncertain significance (1 of 4 stars; one submission).

Conditions:
Melnick-Needles syndrome (MNS). Also called: MELNICK-NEEDLES OSTEODYSPLASTY; OSTEODYSPLASTY OF MELNICK AND NEEDLES; Melnick-Needles Syndrome (FLNA-MNS). Identifiers: Orphanet 2484, MedGen C0025237, MONDO:0010650, OMIM 309350.
Frontometaphyseal dysplasia (FMD1). Identifiers: Orphanet 1826, MedGen C0265293, MONDO:0015942.
Oto-palato-digital syndrome, type II (OPD2). Also called: FACIOPALATOOSSEOUS SYNDROME; OPD II SYNDROME; Otopalatodigital Syndrome Type 2 (FLNA-OPD2); Otopalatodigital Syndrome, Type II. Identifiers: Orphanet 669, Orphanet 90652, MedGen C1844696, MONDO:0010571, OMIM 304120.
Heterotopia, periventricular, X-linked dominant (PVNH1). Also called: PERIVENTRICULAR NODULAR HETEROTOPIA 1; X-linked periventricular heterotopia; PERIVENTRICULAR NODULAR HETEROTOPIA 4; HETEROTOPIA, PERIVENTRICULAR, 1. Identifiers: Orphanet 2149, Orphanet 82004, MedGen C1848213, MONDO:0010233, OMIM 300049.

Allele frequency attached by ClinVar (database versions not stated): gnomAD 0.00001; TOPMed 0.00001.
gnomAD v4.1: 1 of 1,210,782 alleles (0.000083%); highest among the groups gnomAD compares: African/African-American, 0.0017%; no homozygotes.

Submission:

Labcorp Genetics (formerly Invitae), Labcorp
Classification: Uncertain significance for Oto-palato-digital syndrome, type II; Heterotopia, periventricular, X-linked dominant; Frontometaphyseal dysplasia; Melnick-Needles syndrome. Last evaluated: 2022-07-19. Review status: criteria provided, single submitter. Criteria: Invitae Variant Classification Sherloc (09022015). Collection method: clinical testing. Allele origin: germline.
Comment: In summary, the available evidence is currently insufficient to determine the role of this variant in disease. Therefore, it has been classified as a Variant of Uncertain Significance. Advanced modeling of protein sequence and biophysical properties (such as structural, functional, and spatial information, amino acid conservation, physicochemical variation, residue mobility, and thermodynamic stability) performed at Invitae indicates that this missense variant is not expected to disrupt FLNA protein function. This variant has not been reported in the literature in individuals affected with FLNA-related conditions. This variant is not present in population databases (gnomAD no frequency). This sequence change replaces proline, which is neutral and non-polar, with leucine, which is neutral and non-polar, at codon 2496 of the FLNA protein (p.Pro2496Leu).